The following is an entry in ClinVar:

NM_001846.4(COL4A2):c.5128A>C (p.Lys1710Gln)

Gene: COL4A2 (collagen type IV alpha 2 chain; plus strand). Cytogenetic location: 13q34.
Variant type: single nucleotide variant.
Coding change: c.5128A>C on transcript NM_001846.4 (MANE Select); coding-DNA position 5128, A replaced by C.
Protein change: p.Lys1710Gln; replaces lysine 1710 with glutamine.
Molecular consequence: missense variant.
Genome position (GRCh38, 1-based): chr13:110,512,180, A>C. VCF-style: chr13-110512180-A-C. GRCh37 (hg19) VCF-style: chr13-111164527-A-C.
Other names: short protein forms K1710Q.
Identifiers: ClinVar variation 2748528 (VCV002748528.3), dbSNP rs2502226768, ClinGen allele CA388744614.

ClinVar aggregate classification (germline): Uncertain significance (1 of 4 stars; one submission).

Submission:

Labcorp Genetics (formerly Invitae), Labcorp
Classification: Uncertain significance. Last evaluated: 2023-08-05. Review status: criteria provided, single submitter. Criteria: Invitae Variant Classification Sherloc (09022015). Collection method: clinical testing. Allele origin: germline.
Comment: Advanced modeling of protein sequence and biophysical properties (such as structural, functional, and spatial information, amino acid conservation, physicochemical variation, residue mobility, and thermodynamic stability) has been performed at Invitae for this missense variant, however the output from this modeling did not meet the statistical confidence thresholds required to predict the impact of this variant on COL4A2 protein function. This variant has not been reported in the literature in individuals affected with COL4A2-related conditions. This variant is not present in population databases (gnomAD no frequency). This sequence change replaces lysine, which is basic and polar, with glutamine, which is neutral and polar, at codon 1710 of the COL4A2 protein (p.Lys1710Gln). In summary, the available evidence is currently insufficient to determine the role of this variant in disease. Therefore, it has been classified as a Variant of Uncertain Significance.